The following is an entry in ClinVar:

NM_001174150.2(ARL13B):c.73_74del (p.Leu25fs)

Gene: ARL13B (ARF like GTPase 13B; plus strand). Cytogenetic location: 3q11.1.
Variant type: Deletion.
Coding change: c.73_74del on transcript NM_001174150.2 (MANE Select); coding-DNA positions 73 to 74, 2 bases deleted (TT; older notation c.73_74delTT).
Protein change: p.Leu25fs; shifts the reading frame from leucine 25.
Molecular consequence: frameshift variant. On other transcripts: 5 prime UTR variant (1), non-coding transcript variant (2), intron variant (2).
Genome position (GRCh38, 1-based): chr3:93,995,887-93,995,888, TT deleted; deleting any 2 consecutive bases within chr3:93,995,885-93,995,888 gives the same sequence; the c. name uses the placement nearest the transcript's 3' end. VCF-style (leftmost placement, unchanged base first): chr3-93995884-CTT-C. GRCh37 (hg19) VCF-style: chr3-93714728-CTT-C.
Other names: c.-95_-94del (NM_001321328.2); c.73_74del, p.Leu25fs (NM_001410782.1, NM_182896.3); c.-179-7772_-179-7771del (NM_001174151.2); c.59+15405_59+15406del (NM_144996.4); short protein forms L25fs.
Identifiers: ClinVar variation 2736786 (VCV002736786.4), dbSNP rs1559971312, ClinGen allele CA1385086546.

ClinVar aggregate classification (germline): Pathogenic/Likely pathogenic. Review status: criteria provided, multiple submitters, no conflicts (2 of 4 stars). 2 submissions from 2 submitters: Pathogenic (1); Likely pathogenic (1). Last evaluated 2024-01-31.

Conditions:
Joubert syndrome 8 (JBTS8). Identifiers: Orphanet 475, MedGen C2676771, MONDO:0012855, OMIM 612291.

Submissions (2):

Fulgent Genetics
Classification: Likely pathogenic for Joubert syndrome 8. Last evaluated: 2024-01-31. Review status: criteria provided, single submitter. Criteria: ACMG Guidelines, 2015. Collection method: clinical testing. Allele origin: germline.

Labcorp Genetics (formerly Invitae), Labcorp
Classification: Pathogenic for Joubert syndrome 8. Last evaluated: 2023-07-02. Review status: criteria provided, single submitter. Criteria: Invitae Variant Classification Sherloc (09022015). Collection method: clinical testing. Allele origin: germline.
Comment: For these reasons, this variant has been classified as Pathogenic. This variant has not been reported in the literature in individuals affected with ARL13B-related conditions. This variant is not present in population databases (gnomAD no frequency). This sequence change creates a premature translational stop signal (p.Leu25Aspfs*5) in the ARL13B gene. It is expected to result in an absent or disrupted protein product. Loss-of-function variants in ARL13B are known to be pathogenic (PMID: 18674751).

Literature cited by the submitters: PubMed 18674751 (cited by Labcorp Genetics (formerly Invitae), Labcorp).